The following is an entry in ClinVar:

ClinVar aggregate classification (germline): Conflicting classifications of pathogenicity. Review status: criteria provided, conflicting classifications (1 of 4 stars). 2 submissions from 2 submitters: Likely pathogenic (1); Uncertain significance (1). Last evaluated 2026-01-16.

Submissions (2):

Women's Health and Genetics/Laboratory Corporation of America, LabCorp
Classification: Uncertain significance. Last evaluated: 2026-01-16. Review status: criteria provided, single submitter. Criteria: LabCorp Variant Classification Summary - May 2015. Collection method: clinical testing. Allele origin: germline.
Comment: Variant summary: COL4A5 c.4127G>C (p.Gly1376Ala) results in a non-conservative amino acid change in the encoded protein sequence. Algorithms developed to predict the effect of missense changes on protein structure and function all suggest that this variant is likely to be disruptive. p.Gly1376Ala within the triple-helical region (UniProt) of the encoded protein sequence. This missense variant disrupts a glycine residue at position 1 of a Gly-X-Y repeat in the collagenous domain of the collagen IV alpha 5 chain, however, the impact of this specific amino acid change does not allow definitive categorization (PMID: 33854215). The variant was absent in 182766 control chromosomes (ghomAD). The available data on variant occurrences in the general population are insufficient to allow any conclusion about variant significance. To our knowledge, no occurrence of c.4127G>C in individuals affected with COL4A5-related conditions and no experimental evidence demonstrating its impact on protein function have been reported. ClinVar contains an entry for this variant (Variation ID: 1483096). Based on the evidence outlined above, the variant was classified as uncertain significance.

Labcorp Genetics (formerly Invitae), Labcorp
Classification: Likely pathogenic. Last evaluated: 2021-01-21. Review status: criteria provided, single submitter. Criteria: Invitae Variant Classification Sherloc (09022015). Collection method: clinical testing. Allele origin: germline.
Comment: In summary, the currently available evidence indicates that the variant is pathogenic, but additional data are needed to prove that conclusively. Therefore, this variant has been classified as Likely Pathogenic. This variant disrupts the triple helix domain of COL4A5. Glycine residues within the Gly-Xaa-Yaa repeats of the triple helix domain are required for the structure and stability of fibrillar collagens (PMID: 7695699, 8218237, 19344236). In COL4A5, missense variants at these glycine residues are significantly enriched in individuals with disease (PMID: 23720012, 27627812) compared to the general population (ExAC). Algorithms developed to predict the effect of missense changes on protein structure and function (SIFT, PolyPhen-2, Align-GVGD) all suggest that this variant is likely to be disruptive, but these predictions have not been confirmed by published functional studies and their clinical significance is uncertain. This variant has not been reported in the literature in individuals with COL4A5-related conditions. This variant is not present in population databases (ExAC no frequency). This sequence change replaces glycine with alanine at codon 1376 of the COL4A5 protein (p.Gly1376Ala). The glycine residue is highly conserved and there is a small physicochemical difference between glycine and alanine.

Literature cited by the submitters: PubMed 7695699 (cited by Labcorp Genetics (formerly Invitae), Labcorp); PubMed 8218237 (cited by Labcorp Genetics (formerly Invitae), Labcorp); PubMed 19344236 (cited by Labcorp Genetics (formerly Invitae), Labcorp); PubMed 23720012 (cited by Labcorp Genetics (formerly Invitae), Labcorp); PubMed 27627812 (cited by Labcorp Genetics (formerly Invitae), Labcorp).

NM_033380.3(COL4A5):c.4145G>C (p.Gly1382Ala)

Gene: COL4A5 (collagen type IV alpha 5 chain; plus strand). Cytogenetic location: Xq22.3.
Variant type: single nucleotide variant.
Coding change: c.4145G>C on transcript NM_033380.3 (MANE Select); coding-DNA position 4145, G replaced by C.
Protein change: p.Gly1382Ala; replaces glycine 1382 with alanine.
Molecular consequence: missense variant.
Genome position (GRCh38, 1-based): chrX:108,681,817, G>C. VCF-style: chrX-108681817-G-C. GRCh37 (hg19) VCF-style: chrX-107925047-G-C.
Other names: c.4127G>C, p.Gly1376Ala (NM_000495.5); short protein forms G1376A, G1382A.
Identifiers: ClinVar variation 1483096 (VCV001483096.9), dbSNP rs2147982134, ClinGen allele CA413852129.
Genomic context (GRCh38, chrX:108,681,817, plus strand): 5'-TAGGTCCTCCTGGATTACCTGGTCCTTCAGGACAGAGTATCATAATTAAAGGAGATGCTG[G>C]TCCTCCAGGAATCCCTGGCCAGCCTGGGCTAAAGGGTCTACCAGGACCCCAAGGACCTCA-3'
Protein context (NP_203699.1, residues 1372-1392): GQSIIIKGDA[Gly1382Ala]PPGIPGQPGL